The following is an entry in ClinVar:

ClinVar aggregate classification (germline): Uncertain significance (1 of 4 stars; one submission).

Submission:

GeneDx
Classification: Uncertain significance. Last evaluated: 2026-03-31. Review status: criteria provided, single submitter. Criteria: GeneDx Variant Classification Process June 2021. Collection method: clinical testing. Allele origin: germline.
Comment: Not observed at significant frequency in large population cohorts (gnomAD); In silico analysis supports that this missense variant has a deleterious effect on protein structure/function; Has not been previously published as pathogenic or benign to our knowledge

NM_020706.2(SCAF4):c.1319C>T (p.Ser440Phe)

Gene: SCAF4 (SR-related CTD associated factor 4; minus strand). Cytogenetic location: 21q22.11.
Variant type: single nucleotide variant.
Coding change: c.1319C>T on transcript NM_020706.2 (MANE Select); coding-DNA position 1319, C replaced by T.
Protein change: p.Ser440Phe; replaces serine 440 with phenylalanine.
Molecular consequence: missense variant.
Genome position (GRCh38, 1-based): chr21:31,694,207, G>A on the plus strand (C>T on the coding strand, the complement: SCAF4 is on the minus strand). VCF-style: chr21-31694207-G-A. GRCh37 (hg19) VCF-style: chr21-33066520-G-A.
Other names: c.1274C>T, p.Ser425Phe (NM_001145444.1); c.1319C>T, p.Ser440Phe (NM_001145445.1); short protein forms S425F, S440F.
Identifiers: ClinVar variation 5017794 (VCV005017794.1).
Genomic context (GRCh38, chr21:31,694,207, plus strand): 5'-TAATTTCTATGTCCCCTAAGATATACAGGGTTGGAAAAAACATTTTCTATAAATTACCTG[G>A]ATGCTGACCTAGATCTTGACTTTCTGTTATCAGACATATGTCGCTTAACCTCTTGAATAC-3'
Protein context (NP_065757.1, residues 430-450): DNRKSRSRSA[Ser440Phe]RSPKRRRSRS